The following is an entry in ClinVar:

ClinVar aggregate classification (germline): Uncertain significance (1 of 4 stars; one submission).

Submission:

GeneDx
Classification: Uncertain significance. Last evaluated: 2024-04-24. Review status: criteria provided, single submitter. Criteria: GeneDx Variant Classification Process June 2021. Collection method: clinical testing. Allele origin: germline. Affected: yes.
Comment: Not observed at significant frequency in large population cohorts (gnomAD); Nonsense variant predicted to result in protein truncation as the last 58 amino acids are lost, although loss-of-function variants have not been reported downstream of this position in the protein; Has not been previously published as pathogenic or benign to our knowledge

NM_007118.4(TRIO):c.9119C>A (p.Ser3040Ter)

Gene: TRIO (trio Rho guanine nucleotide exchange factor; plus strand). Cytogenetic location: 5p15.2.
Variant type: single nucleotide variant.
Coding change: c.9119C>A on transcript NM_007118.4 (MANE Select); coding-DNA position 9119, C replaced by A.
Protein change: p.Ser3040Ter; replaces serine 3040 with a stop codon.
Molecular consequence: nonsense. On other transcripts: non-coding transcript variant (1).
Genome position (GRCh38, 1-based): chr5:14,508,247, C>A. VCF-style: chr5-14508247-C-A. GRCh37 (hg19) VCF-style: chr5-14508356-C-A.
Other names: short protein forms S3040*.
Identifiers: ClinVar variation 3372524 (VCV003372524.1).